The following is an entry in ClinVar:

NM_145064.3(STAC3):c.806C>T (p.Pro269Leu)

Gene: STAC3 (SH3 and cysteine rich domain 3; minus strand). Cytogenetic location: 12q13.3.
Variant type: single nucleotide variant.
Coding change: c.806C>T on transcript NM_145064.3 (MANE Select); coding-DNA position 806, C replaced by T.
Protein change: p.Pro269Leu; replaces proline 269 with leucine.
Molecular consequence: missense variant. On other transcripts: non-coding transcript variant (1).
Genome position (GRCh38, 1-based): chr12:57,244,537, G>A on the plus strand (C>T on the coding strand, the complement: STAC3 is on the minus strand). VCF-style: chr12-57244537-G-A. GRCh37 (hg19) VCF-style: chr12-57638320-G-A.
Other names: c.689C>T, p.Pro230Leu (NM_001286256.2); c.248C>T, p.Pro83Leu (NM_001286257.2); short protein forms P269L, P230L, P83L.
Identifiers: ClinVar variation 578220 (VCV000578220.6), dbSNP rs367590066, ClinGen allele CA6647001.
Genomic context (GRCh38, chr12:57,244,537, plus strand): 5'-GGAACCCAGCTCTTTCCTCTTCACTCCGCAGTACCAGCCCCCTGCCCCAAGGCCTCTCAC[G>A]GGAAATCCAGATCGTCCTTCTCCAGGGCTTTGAACCGATAGAGAGCCACAAAGTAATGAG-3'
Protein context (NP_659501.1, residues 259-279): KALEKDDLDF[Pro269Leu]PGEKITVIDD

ClinVar aggregate classification (germline): Uncertain significance (1 of 4 stars; one submission).

Conditions:
Bailey-Bloch congenital myopathy (CMYO13). Also called: Native American myopathy; STAC3 disorder; Congenital myopathy 13. Identifiers: Orphanet 168572, MedGen C1850625, MONDO:0009722, OMIM 255995.

Allele frequency attached by ClinVar (database versions not stated): gnomAD exomes 0.00001 and 0.00002; ExAC 0.00002; TOPMed 0.00005; ESP Exome Variant Server 0.00008; gnomAD 0.00008 and 0.00009.
gnomAD v4.1: 24 of 1,614,060 alleles (0.0015%); highest among the groups gnomAD compares: African/African-American, 0.024%; no homozygotes.

Submission:

Labcorp Genetics (formerly Invitae), Labcorp
Classification: Uncertain significance for Bailey-Bloch congenital myopathy. Last evaluated: 2022-02-05. Review status: criteria provided, single submitter. Criteria: Invitae Variant Classification Sherloc (09022015). Collection method: clinical testing. Allele origin: germline.
Comment: Algorithms developed to predict the effect of missense changes on protein structure and function (SIFT, PolyPhen-2, Align-GVGD) all suggest that this variant is likely to be tolerated. ClinVar contains an entry for this variant (Variation ID: 578220). This variant has not been reported in the literature in individuals affected with STAC3-related conditions. This variant is present in population databases (rs367590066, gnomAD 0.02%). This sequence change replaces proline, which is neutral and non-polar, with leucine, which is neutral and non-polar, at codon 269 of the STAC3 protein (p.Pro269Leu). Algorithms developed to predict the effect of sequence changes on RNA splicing suggest that this variant may disrupt the consensus splice site. In summary, the available evidence is currently insufficient to determine the role of this variant in disease. Therefore, it has been classified as a Variant of Uncertain Significance.